The following is an entry in ClinVar:

ClinVar aggregate classification (germline): Likely benign. Review status: criteria provided, multiple submitters, no conflicts (2 of 4 stars). 2 submissions from 2 submitters: Likely benign (2). Last evaluated 2018-06-16.

Allele frequency attached by ClinVar (database versions not stated): 1000 Genomes Project 0.00439; 1000 Genomes Project 30x 0.00468; TOPMed 0.00841; ExAC 0.00848; gnomAD 0.00872 and 0.00906; gnomAD exomes 0.00888 and 0.01097; ESP Exome Variant Server 0.00900.
gnomAD v4.1: 17,282 of 1,612,980 alleles (1.1%); highest among the groups gnomAD compares: Non-Finnish European, 1.3%; 121 homozygotes.

Submissions (2):

GeneDx
Classification: Likely benign. Last evaluated: 2018-06-16. Review status: criteria provided, single submitter. Criteria: GeneDx Variant Classification (06012015). Collection method: clinical testing. Allele origin: germline. Affected: yes.
Comment: This variant is considered likely benign or benign based on one or more of the following criteria: it is a conservative change, it occurs at a poorly conserved position in the protein, it is predicted to be benign by multiple in silico algorithms, and/or has population frequency not consistent with disease.

Breakthrough Genomics
Classification: Likely benign. Review status: criteria provided, single submitter. Criteria: ACMG Guidelines, 2015. Collection method: not provided. Allele origin: germline. Inheritance: Autosomal dominant inheritance. Affected: yes.

NM_024422.6(DSC2):c.474+45C>G

Gene: DSC2 (desmocollin 2; minus strand). Cytogenetic location: 18q12.1.
Variant type: single nucleotide variant.
Coding change: c.474+45C>G on transcript NM_024422.6 (MANE Select); 45 bases into the intron after coding-DNA position 474, C replaced by G.
Molecular consequence: intron variant.
Genome position (GRCh38, 1-based): chr18:31,090,983, G>C on the plus strand (C>G on the coding strand, the complement: DSC2 is on the minus strand). VCF-style: chr18-31090983-G-C. GRCh37 (hg19) VCF-style: chr18-28670946-G-C.
Other names: c.474+45C>G (NM_004949.5).
Identifiers: ClinVar variation 674350 (VCV000674350.2), dbSNP rs149188953, ClinGen allele CA038510.